The following is an entry in ClinVar:

NM_152383.5(DIS3L2):c.188T>C (p.Leu63Ser)

Gene: DIS3L2 (DIS3 like 3'-5' exoribonuclease 2; plus strand). Cytogenetic location: 2q37.1.
Variant type: single nucleotide variant.
Coding change: c.188T>C on transcript NM_152383.5 (MANE Select); coding-DNA position 188, T replaced by C.
Protein change: p.Leu63Ser; replaces leucine 63 with serine.
Molecular consequence: missense variant. On other transcripts: non-coding transcript variant (2).
Genome position (GRCh38, 1-based): chr2:232,015,649, T>C. VCF-style: chr2-232015649-T-C. GRCh37 (hg19) VCF-style: chr2-232880359-T-C.
Other names: c.188T>C, p.Leu63Ser (NM_001257281.2, NM_001257282.2); short protein forms L63S.
Identifiers: ClinVar variation 1492380 (VCV001492380.8), dbSNP rs2106221814, ClinGen allele CA351152092.

ClinVar aggregate classification (germline): Uncertain significance (1 of 4 stars; one submission).

Conditions:
Perlman syndrome (PRLMNS). Identifiers: Orphanet 2849, MedGen C0796113, MONDO:0009965, OMIM 267000.

Submission:

Labcorp Genetics (formerly Invitae), Labcorp
Classification: Uncertain significance for Perlman syndrome. Last evaluated: 2021-04-29. Review status: criteria provided, single submitter. Criteria: Invitae Variant Classification Sherloc (09022015). Collection method: clinical testing. Allele origin: germline.
Comment: Algorithms developed to predict the effect of missense changes on protein structure and function are either unavailable or do not agree on the potential impact of this missense change (SIFT: "Deleterious"; PolyPhen-2: "Possibly Damaging"; Align-GVGD: "Class C0"). In summary, the available evidence is currently insufficient to determine the role of this variant in disease. Therefore, it has been classified as a Variant of Uncertain Significance. This variant has not been reported in the literature in individuals with DIS3L2-related conditions. This sequence change replaces leucine with serine at codon 63 of the DIS3L2 protein (p.Leu63Ser). The leucine residue is moderately conserved and there is a large physicochemical difference between leucine and serine. This variant is not present in population databases (ExAC no frequency).